The following is an entry in ClinVar:

NM_138413.4(HOGA1):c.743del (p.Ala248fs)

Gene: HOGA1 (4-hydroxy-2-oxoglutarate aldolase 1; plus strand). Cytogenetic location: 10q24.2.
Variant type: Deletion.
Coding change: c.743del on transcript NM_138413.4 (MANE Select); coding-DNA position 743, one base deleted (C; older notation c.743delC).
Protein change: p.Ala248fs; shifts the reading frame from alanine 248.
Molecular consequence: frameshift variant.
Genome position (GRCh38, 1-based): chr10:97,601,899, C deleted. VCF-style (leftmost placement, unchanged base first): chr10-97601898-GC-G. GRCh37 (hg19) VCF-style: chr10-99361655-GC-G.
Other names: c.254del, p.Ala85fs (NM_001134670.2); short protein forms A248fs, A85fs.
Identifiers: ClinVar variation 2664400 (VCV002664400.1), dbSNP rs766897646, ClinGen allele CA5634232.
Genomic context (GRCh38, chr10:97,601,898, plus strand): 5'-TGCGTCTTACTTCGTGCAGGAGCTGTGGGGGGCGTCTGCGCCCTGGCCAATGTCCTGGGG[GC>G]TCAGGTGTGCCAGCTGGAGCGACTGTGCTGCACGGGGCAATGGGAAGATGCCCAGAAACT-3'

ClinVar aggregate classification (germline): Likely pathogenic (1 of 4 stars; one submission).

Conditions:
Primary hyperoxaluria type 3. Also called: PH III. Identifiers: Orphanet 416, Orphanet 93600, MedGen C3150878, MONDO:0013327, OMIM 613616. Disease mechanism: loss of function.

Allele frequency attached by ClinVar (database versions not stated): ExAC 0.00001.

Submission:

Clinical Biochemistry Laboratory, Health Services Laboratory
Classification: Likely pathogenic for Primary hyperoxaluria type 3. Last evaluated: 2023-10-27. Review status: criteria provided, single submitter. Criteria: ACMG Guidelines, 2015. Collection method: curation. Allele origin: germline.
Comment: ACMG PVS1 PM2